The following is an entry in ClinVar:

ClinVar aggregate classification (germline): Uncertain significance. Review status: criteria provided, multiple submitters, no conflicts (2 of 4 stars). 2 submissions from 2 submitters: Uncertain significance (2). Last evaluated 2025-11-03.

Conditions:
Arrhythmogenic right ventricular dysplasia 13. Also called: ARRHYTHMOGENIC RIGHT VENTRICULAR CARDIOMYOPATHY 13; Arrhythmogenic right ventricular dysplasia, familial, 13. Identifiers: MedGen C3810138, MONDO:0000908, OMIM 615616.
CTNNA3-related disorder. Also called: CTNNA3-related condition.

gnomAD v4.1: 1 of 1,613,298 alleles (0.000062%); highest among the groups gnomAD compares: African/African-American, 0.0013%; no homozygotes.

Submissions (2):

Labcorp Genetics (formerly Invitae), Labcorp
Classification: Uncertain significance for Arrhythmogenic right ventricular dysplasia 13. Last evaluated: 2025-11-03. Review status: criteria provided, single submitter. Criteria: Invitae Variant Classification Sherloc (09022015). Collection method: clinical testing. Allele origin: germline.
Comment: This sequence change replaces arginine, which is basic and polar, with glycine, which is neutral and non-polar, at codon 750 of the CTNNA3 protein (p.Arg750Gly). This variant is not present in population databases (gnomAD no frequency). This variant has not been reported in the literature in individuals affected with CTNNA3-related conditions. ClinVar contains an entry for this variant (Variation ID: 2632697). Invitae Evidence Modeling of protein sequence and biophysical properties (such as structural, functional, and spatial information, amino acid conservation, physicochemical variation, residue mobility, and thermodynamic stability) indicates that this missense variant is not expected to disrupt CTNNA3 protein function with a negative predictive value of 80%. In summary, the available evidence is currently insufficient to determine the role of this variant in disease. Therefore, it has been classified as a Variant of Uncertain Significance.

PreventionGenetics, part of Exact Sciences
Classification: Uncertain significance for CTNNA3-related condition. Last evaluated: 2023-06-08. Review status: criteria provided, single submitter. Criteria: ACMG Guidelines, 2015. Collection method: clinical testing. Allele origin: germline.
Comment: The CTNNA3 c.2248C>G variant is predicted to result in the amino acid substitution p.Arg750Gly. To our knowledge, this variant has not been reported in the literature or in a large population database, indicating this variant is rare. At this time, the clinical significance of this variant is uncertain due to the absence of conclusive functional and genetic evidence.

NM_013266.4(CTNNA3):c.2248C>G (p.Arg750Gly)

Gene: CTNNA3 (catenin alpha 3; minus strand). Cytogenetic location: 10q21.3.
Variant type: single nucleotide variant.
Coding change: c.2248C>G on transcript NM_013266.4 (MANE Select); coding-DNA position 2248, C replaced by G.
Protein change: p.Arg750Gly; replaces arginine 750 with glycine.
Molecular consequence: missense variant.
Genome position (GRCh38, 1-based): chr10:65,988,709, G>C on the plus strand (C>G on the coding strand, the complement: CTNNA3 is on the minus strand). VCF-style: chr10-65988709-G-C. GRCh37 (hg19) VCF-style: chr10-67748467-G-C.
Other names: c.2248C>G, p.Arg750Gly (NM_001127384.3); short protein forms R750G.
Identifiers: ClinVar variation 2632697 (VCV002632697.4), dbSNP rs149211186, ClinGen allele CA377089237.
Genomic context (GRCh38, chr10:65,988,709, plus strand): 5'-AATTAGCATGAACTTTTATGATGTCCACTTGTAAGTAACTCACCTGATTAGCAATCTGCC[G>C]AGCAAGGACATCCATCCTTGATCCTGATTCTGATATCATTTTCGCTGCATAGATCACATC-3'
Protein context (NP_037398.2, residues 740-760): ESGSRMDVLA[Arg750Gly]QIANQCPDPS